The following is an entry in ClinVar:

ClinVar aggregate classification (germline): Uncertain significance. Review status: criteria provided, multiple submitters, no conflicts (2 of 4 stars). 2 submissions from 2 submitters: Uncertain significance (2). Last evaluated 2024-09-03.

Allele frequency attached by ClinVar (database versions not stated): ExAC 0.00001; gnomAD 0.00001; gnomAD exomes 0.00001 and 0.00002; TOPMed 0.00004.

Submissions (2):

Labcorp Genetics (formerly Invitae), Labcorp
Classification: Uncertain significance. Last evaluated: 2024-09-03. Review status: criteria provided, single submitter. Criteria: Invitae Variant Classification Sherloc (09022015). Collection method: clinical testing. Allele origin: germline.
Comment: This sequence change replaces alanine, which is neutral and non-polar, with threonine, which is neutral and polar, at codon 293 of the CPOX protein (p.Ala293Thr). This variant is present in population databases (rs762827865, gnomAD 0.005%). This missense change has been observed in individuals with coproporphyria (PMID: 11309681). ClinVar contains an entry for this variant (Variation ID: 449559). Invitae Evidence Modeling of protein sequence and biophysical properties (such as structural, functional, and spatial information, amino acid conservation, physicochemical variation, residue mobility, and thermodynamic stability) indicates that this missense variant is not expected to disrupt CPOX protein function with a negative predictive value of 80%. Experimental studies have shown that this missense change affects CPOX function (PMID: 11309681, 16159891). In summary, the available evidence is currently insufficient to determine the role of this variant in disease. Therefore, it has been classified as a Variant of Uncertain Significance.

GeneDx
Classification: Uncertain significance. Last evaluated: 2017-11-02. Review status: criteria provided, single submitter. Criteria: GeneDx Variant Classification (06012015). Collection method: clinical testing. Allele origin: germline. Affected: yes.
Comment: The A293T variant has been reported previously in an individual with hereditary coproporphyria, and expression studies demonstrated A293T resulted in 29% of wild-type CPOX protein activity and 8% harderoporphyrin accumulation (Lamoril et al., 2001). The A293T variant is observed in 1/18,864 (0.005%) alleles from individuals of East Asian background (Lek et al., 2016). This variant is a non-conservative amino acid substitution, which is likely to impact secondary protein structure as these residues differ in polarity, charge, size and/or other properties. This substitution occurs at a position that is conserved across species, and in silico analysis predicts this variant is probably damaging to the protein structure/function.

Literature cited by the submitters: PubMed 11309681 (cited by Labcorp Genetics (formerly Invitae), Labcorp); PubMed 16159891 (cited by Labcorp Genetics (formerly Invitae), Labcorp).

NM_000097.7(CPOX):c.877G>A (p.Ala293Thr)

Gene: CPOX (coproporphyrinogen oxidase; minus strand). Cytogenetic location: 3q11.2.
Variant type: single nucleotide variant.
Coding change: c.877G>A on transcript NM_000097.7 (MANE Select); coding-DNA position 877, G replaced by A.
Protein change: p.Ala293Thr; replaces alanine 293 with threonine.
Molecular consequence: missense variant.
Genome position (GRCh38, 1-based): chr3:98,588,789, C>T on the plus strand (G>A on the coding strand, the complement: CPOX is on the minus strand). VCF-style: chr3-98588789-C-T. GRCh37 (hg19) VCF-style: chr3-98307633-C-T.
Other names: c.877G>A, p.Ala293Thr (LRG_1077t1); short protein forms A293T.
Identifiers: ClinVar variation 449559 (VCV000449559.8), dbSNP rs762827865, ClinGen allele CA2511574.
Genomic context (GRCh38, chr3:98,588,789, plus strand): 5'-GGTAGAGATCTGGACCATGCTGGTCACAAGCCTCCTTCAGAGTTCTGTGAAAATGGACAG[C>T]GTCTTCTTGATTCAAGTATGTTGGAGTGAGGTCACATCCACCACCAAACCACCACTGCTT-3'
Protein context (NP_000088.3, residues 283-303): LTPTYLNQED[Ala293Thr]VHFHRTLKEA